The following is an entry in ClinVar:

ClinVar aggregate classification (germline): Uncertain significance (1 of 4 stars; one submission).

Conditions:
Charcot-Marie-Tooth disease type 4A. Also called: Charcot-Marie-Tooth disease, demyelinating, autosomal recessive, type 4a. Identifiers: Orphanet 99948, MedGen C1859198, MONDO:0008961, OMIM 214400.

Allele frequency attached by ClinVar (database versions not stated): TOPMed below 0.00001; gnomAD 0.00001; gnomAD exomes 0.00001.
gnomAD v4.1: 10 of 1,589,422 alleles (0.00063%); highest among the groups gnomAD compares: Non-Finnish European, 0.00086%; no homozygotes.

Submission:

Labcorp Genetics (formerly Invitae), Labcorp
Classification: Uncertain significance for Charcot-Marie-Tooth disease type 4A. Last evaluated: 2025-10-19. Review status: criteria provided, single submitter. Criteria: Invitae Variant Classification Sherloc (09022015). Collection method: clinical testing. Allele origin: germline.
Comment: This sequence change replaces lysine, which is basic and polar, with glutamic acid, which is acidic and polar, at codon 207 of the GDAP1 protein (p.Lys207Glu). This variant is present in population databases (no rsID available, gnomAD 0.002%). This variant has not been reported in the literature in individuals affected with GDAP1-related conditions. ClinVar contains an entry for this variant (Variation ID: 952411). Invitae Evidence Modeling of protein sequence and biophysical properties (such as structural, functional, and spatial information, amino acid conservation, physicochemical variation, residue mobility, and thermodynamic stability) indicates that this missense variant is not expected to disrupt GDAP1 protein function with a negative predictive value of 80%. In summary, the available evidence is currently insufficient to determine the role of this variant in disease. Therefore, it has been classified as a Variant of Uncertain Significance.

NM_018972.4(GDAP1):c.619A>G (p.Lys207Glu)

Gene: GDAP1 (ganglioside induced differentiation associated protein 1; plus strand). Cytogenetic location: 8q21.11.
Variant type: single nucleotide variant.
Coding change: c.619A>G on transcript NM_018972.4 (MANE Select); coding-DNA position 619, A replaced by G.
Protein change: p.Lys207Glu; replaces lysine 207 with glutamic acid.
Molecular consequence: missense variant.
Genome position (GRCh38, 1-based): chr8:74,362,978, A>G. VCF-style: chr8-74362978-A-G. GRCh37 (hg19) VCF-style: chr8-75275213-A-G.
Other names: c.415A>G, p.Lys139Glu (NM_001040875.4); c.292A>G, p.Lys98Glu (NM_001362929.2, NM_001362932.2); c.445A>G, p.Lys149Glu (NM_001362930.2); c.619A>G, p.Lys207Glu (NM_001362931.2); short protein forms K207E, K98E, K139E, K149E.
Identifiers: ClinVar variation 952411 (VCV000952411.7), dbSNP rs1443360585, ClinGen allele CA371549538.